The following is an entry in ClinVar:

ClinVar aggregate classification (germline): Uncertain significance (1 of 4 stars; one submission).

Conditions:
Inborn genetic diseases. Identifiers: MedGen C0950123, MeSH D030342.

gnomAD v4.1: 8 of 1,614,096 alleles (0.0005%); highest among the groups gnomAD compares: Non-Finnish European, 0.00068%; no homozygotes.

Submission:

Ambry Genetics
Classification: Uncertain significance for Inborn genetic diseases. Last evaluated: 2026-02-26. Review status: criteria provided, single submitter. Criteria: Ambry Variant Classification Scheme 2023. Collection method: clinical testing. Allele origin: germline.
Comment: The p.S454A variant (also known as c.1360T>G), located in coding exon 10 of the BMPR2 gene, results from a T to G substitution at nucleotide position 1360. The serine at codon 454 is replaced by alanine, an amino acid with similar properties. This amino acid position is conserved. In addition, this alteration is predicted to be tolerated by in silico analysis. Based on the available evidence, the clinical significance of this variant remains unclear.

NM_001204.7(BMPR2):c.1360T>G (p.Ser454Ala)

Gene: BMPR2 (bone morphogenetic protein receptor type 2; plus strand). Cytogenetic location: 2q33.2.
Variant type: single nucleotide variant.
Coding change: c.1360T>G on transcript NM_001204.7 (MANE Select); coding-DNA position 1360, T replaced by G.
Protein change: p.Ser454Ala; replaces serine 454 with alanine.
Molecular consequence: missense variant.
Genome position (GRCh38, 1-based): chr2:202,542,394, T>G. VCF-style: chr2-202542394-T-G. GRCh37 (hg19) VCF-style: chr2-203407117-T-G.
Other names: short protein forms S454A.
Identifiers: ClinVar variation 4827184 (VCV004827184.1).